The following is an entry in ClinVar:

NM_018979.4(WNK1):c.7133A>G (p.Asn2378Ser)

Gene: WNK1 (WNK lysine deficient protein kinase 1; plus strand). Cytogenetic location: 12p13.33.
Variant type: single nucleotide variant.
Coding change: c.7133A>G on transcript NM_018979.4 (MANE Select); coding-DNA position 7133, A replaced by G.
Protein change: p.Asn2378Ser; replaces asparagine 2378 with serine.
Molecular consequence: missense variant.
Genome position (GRCh38, 1-based): chr12:908,776, A>G. VCF-style: chr12-908776-A-G. GRCh37 (hg19) VCF-style: chr12-1017942-A-G.
Other names: c.7913A>G, p.Asn2638Ser (NM_001184985.2); c.6389A>G, p.Asn2130Ser (NM_014823.3); c.7889A>G, p.Asn2630Ser (NM_213655.5); short protein forms N2630S, N2378S, N2638S, N2130S.
Identifiers: ClinVar variation 538518 (VCV000538518.11), dbSNP rs1555164556, ClinGen allele CA383341625.

ClinVar aggregate classification (germline): Uncertain significance. Review status: criteria provided, multiple submitters, no conflicts (2 of 4 stars). 4 submissions from 4 submitters: Uncertain significance (4). Last evaluated 2026-06-01.

Conditions:
Inborn genetic diseases. Identifiers: MedGen C0950123, MeSH D030342.
Pseudohypoaldosteronism type 2C (PHA2C). Also called: Pseudohypoaldosteronism Type IIC. Identifiers: Orphanet 757, Orphanet 88940, MedGen C1840391, MONDO:0013778, OMIM 614492.
Neuropathy, hereditary sensory and autonomic, type 2A (HSAN2A). Also called: WNK1-Related HSAN2 (HSAN2A); MORVAN DISEASE; NEUROPATHY, CONGENITAL SENSORY; NEUROPATHY, HEREDITARY SENSORY RADICULAR, AUTOSOMAL RECESSIVE; NEUROPATHY, HEREDITARY SENSORY, TYPE IIA; NEUROPATHY, PROGRESSIVE SENSORY, OF CHILDREN. Identifiers: Orphanet 970, MedGen C2752089, MONDO:0024309, OMIM 201300.

Allele frequency attached by ClinVar (database versions not stated): gnomAD exomes 0.00001.
gnomAD v4.1: 14 of 1,375,320 alleles (0.001%); highest among the groups gnomAD compares: Non-Finnish European, 0.0014%; no homozygotes.

Submissions (4):

Women's Health and Genetics/Laboratory Corporation of America, LabCorp
Classification: Uncertain significance. Last evaluated: 2026-06-01. Review status: criteria provided, single submitter. Criteria: LabCorp Variant Classification Summary - May 2015. Collection method: clinical testing. Allele origin: germline.
Comment: Variant summary: WNK1 c.7133A>G (p.Asn2378Ser) results in a conservative amino acid change in the encoded protein sequence. Algorithms developed to predict the effect of missense changes on protein structure and function are either unavailable or do not agree on the potential impact of this missense change. The variant was absent in 251186 control chromosomes. The available data on variant occurrences in the general population are insufficient to allow any conclusion about variant significance. To our knowledge, no occurrence of c.7133A>G in individuals affected with WNK1-related conditions and no experimental evidence demonstrating its impact on protein function have been reported. ClinVar contains an entry for this variant (Variation ID: 538518). Based on the evidence outlined above, the variant was classified as uncertain significance.

Labcorp Genetics (formerly Invitae), Labcorp
Classification: Uncertain significance for Neuropathy, hereditary sensory and autonomic, type 2A; Pseudohypoaldosteronism type 2C. Last evaluated: 2025-10-13. Review status: criteria provided, single submitter. Criteria: Invitae Variant Classification Sherloc (09022015). Collection method: clinical testing. Allele origin: germline.
Comment: This sequence change replaces asparagine, which is neutral and polar, with serine, which is neutral and polar, at codon 2630 of the WNK1 protein (p.Asn2630Ser). This variant is not present in population databases (gnomAD no frequency). This variant has not been reported in the literature in individuals affected with WNK1-related conditions. ClinVar contains an entry for this variant (Variation ID: 538518). Invitae Evidence Modeling of protein sequence and biophysical properties (such as structural, functional, and spatial information, amino acid conservation, physicochemical variation, residue mobility, and thermodynamic stability) indicates that this missense variant is not expected to disrupt WNK1 protein function with a negative predictive value of 95%. In summary, the available evidence is currently insufficient to determine the role of this variant in disease. Therefore, it has been classified as a Variant of Uncertain Significance.

Fulgent Genetics
Classification: Uncertain significance for Neuropathy, hereditary sensory and autonomic, type 2A; Pseudohypoaldosteronism type 2C. Last evaluated: 2024-06-12. Review status: criteria provided, single submitter. Criteria: ACMG Guidelines, 2015. Collection method: clinical testing. Allele origin: germline.

Ambry Genetics
Classification: Uncertain significance for Inborn genetic diseases. Last evaluated: 2021-04-08. Review status: criteria provided, single submitter. Criteria: Ambry Variant Classification Scheme 2023. Collection method: clinical testing. Allele origin: germline.
Comment: The p.N2630S variant (also known as c.7889A>G), located in coding exon 28 of the WNK1 gene, results from an A to G substitution at nucleotide position 7889. The asparagine at codon 2630 is replaced by serine, an amino acid with highly similar properties. This amino acid position is highly conserved in available vertebrate species. In addition, this alteration is predicted to be tolerated by in silico analysis. Since supporting evidence is limited at this time, the clinical significance of this alteration remains unclear.